The following is an entry in ClinVar:

NM_005120.3(MED12):c.2643A>C (p.Glu881Asp)

Gene: MED12 (mediator complex subunit 12; plus strand). Cytogenetic location: Xq13.1.
Variant type: single nucleotide variant.
Coding change: c.2643A>C on transcript NM_005120.3 (MANE Select); coding-DNA position 2643, A replaced by C.
Protein change: p.Glu881Asp; replaces glutamic acid 881 with aspartic acid.
Molecular consequence: missense variant.
Genome position (GRCh38, 1-based): chrX:71,126,442, A>C. VCF-style: chrX-71126442-A-C. GRCh37 (hg19) VCF-style: chrX-70346292-A-C.
Other names: short protein forms E881D.
Identifiers: ClinVar variation 2450603 (VCV002450603.2), dbSNP rs2519683004, ClinGen allele CA413515910.
Genomic context (GRCh38, chrX:71,126,442, plus strand): 5'-TGGCATGTCATACCACTTGCCTCTGGTGCAGCATGTGCAGTTCATCTTCGACCTCATGGA[A>C]TATTCACTCAGCATCAGTGGCCTCATCGACTTTGCCATTCAGGTGGGGAAGTTGGGGAGA-3'
Protein context (NP_005111.2, residues 871-891): QHVQFIFDLM[Glu881Asp]YSLSISGLID

ClinVar aggregate classification (germline): Uncertain significance (1 of 4 stars; one submission).

Conditions:
Familial thoracic aortic aneurysm and aortic dissection (TAAD). Also called: Thoracic aortic aneurysms and dissections. Identifiers: Orphanet 91387, MedGen C4707243, MONDO:0019625.

Submission:

Ambry Genetics
Classification: Uncertain significance for Familial thoracic aortic aneurysm and aortic dissection. Last evaluated: 2023-01-05. Review status: criteria provided, single submitter. Criteria: Ambry Variant Classification Scheme 2023. Collection method: clinical testing. Allele origin: germline.
Comment: The p.E881D variant (also known as c.2643A>C), located in coding exon 19 of the MED12 gene, results from an A to C substitution at nucleotide position 2643. The glutamic acid at codon 881 is replaced by aspartic acid, an amino acid with highly similar properties. This amino acid position is conserved. In addition, this alteration is predicted to be deleterious by in silico analysis. Since supporting evidence is limited at this time, the clinical significance of this alteration remains unclear.